The following is an entry in ClinVar:

NM_004380.3(CREBBP):c.594_597del (p.Asn199fs)

Gene: CREBBP (CREB binding lysine acetyltransferase; minus strand). Cytogenetic location: 16p13.3.
Variant type: Microsatellite.
Coding change: c.594_597del on transcript NM_004380.3 (MANE Select); coding-DNA positions 594 to 597, 4 bases deleted (TAAT; older notation c.594_597delTAAT).
Protein change: p.Asn199fs; shifts the reading frame from asparagine 199.
Molecular consequence: frameshift variant.
Genome position (GRCh38, 1-based): chr16:3,850,498-3,850,501, ATTA deleted on the plus strand (TAAT on the coding strand, the reverse complement: CREBBP is on the minus strand); deleting any 4 consecutive bases within chr16:3,850,498-3,850,506 gives the same sequence; the c. name uses the placement nearest the transcript's 3' end. VCF-style (leftmost placement, unchanged base first): chr16-3850497-GATTA-G. GRCh37 (hg19) VCF-style: chr16-3900498-GATTA-G.
Other names: c.594_597del, p.Asn199fs (NM_001079846.1); short protein forms N199fs.
Identifiers: ClinVar variation 4993173 (VCV004993173.1).
Genomic context (GRCh38, chr16:3,850,497, plus strand): 5'-TTCCTCTGCCAGCAGCCCCAAGAGATCCATTCATGACTTGCGCCTGCCCTTGTGAAGCCT[GATTA>G]ATTAAGCTATGGCCAGAGTTACTATTGAGGAGGCCTGGGTGGGTCTGGTTAAAGTTAGCA-3'

ClinVar aggregate classification (germline): Pathogenic (1 of 4 stars; one submission).

Conditions:
CREBBP-related disorder. Also called: CREBBP-related condition; CREBBP-related disorders.

Submission:

PreventionGenetics, part of Exact Sciences
Classification: Pathogenic for CREBBP-related condition. Last evaluated: 2026-03-20. Review status: criteria provided, single submitter. Criteria: ACMG Guidelines, 2015. Collection method: clinical testing. Allele origin: germline.
Comment: The CREBBP c.594_597delTAAT variant is predicted to result in a frameshift and premature protein termination (p.Asn199Argfs*10). To our knowledge, this variant has not been reported in the literature or in a large population database (gnomAD), indicating this variant is rare. Frameshift variants in CREBBP are expected to be pathogenic. This variant is interpreted as pathogenic.